The following is an entry in ClinVar:

ClinVar aggregate classification (germline): Uncertain significance (0 of 4 stars; one submission).

Conditions:
RAI1-related disorder. Also called: RAI1-related condition.

gnomAD v4.1: 5 of 1,580,388 alleles (0.00032%); highest among the groups gnomAD compares: Admixed American, 0.0091%; no homozygotes.

Submission:

PreventionGenetics, part of Exact Sciences
Classification: Uncertain significance for RAI1-related condition. Last evaluated: 2024-05-30. Review status: no assertion criteria provided. Collection method: clinical testing. Allele origin: germline.
Comment: The RAI1 c.3127G>A variant is predicted to result in the amino acid substitution p.Ala1043Thr. To our knowledge, this variant has not been reported in the literature. This variant is reported on 1 of ~185,000 alleles in a large public population database (the 'remaining individuals'/'other' population in gnomAD). At this time, the clinical significance of this variant is uncertain due to the absence of conclusive functional and genetic evidence.

NM_030665.4(RAI1):c.3127G>A (p.Ala1043Thr)

Gene: RAI1 (retinoic acid induced 1; plus strand). Cytogenetic location: 17p11.2.
Variant type: single nucleotide variant.
Coding change: c.3127G>A on transcript NM_030665.4 (MANE Select); coding-DNA position 3127, G replaced by A.
Protein change: p.Ala1043Thr; replaces alanine 1043 with threonine.
Molecular consequence: missense variant.
Genome position (GRCh38, 1-based): chr17:17,796,075, G>A. VCF-style: chr17-17796075-G-A. GRCh37 (hg19) VCF-style: chr17-17699389-G-A.
Other names: short protein forms A1043T.
Identifiers: ClinVar variation 3346308 (VCV003346308.1).